The following is an entry in ClinVar:

NM_001232.4(CASQ2):c.1015-3C>T

Gene: CASQ2 (calsequestrin 2; minus strand). Cytogenetic location: 1p13.1.
Variant type: single nucleotide variant.
Coding change: c.1015-3C>T on transcript NM_001232.4 (MANE Select); 3 bases into the intron before coding-DNA position 1015, C replaced by T.
Molecular consequence: intron variant.
Genome position (GRCh38, 1-based): chr1:115,701,429, G>A on the plus strand (C>T on the coding strand, the complement: CASQ2 is on the minus strand). VCF-style: chr1-115701429-G-A. GRCh37 (hg19) VCF-style: chr1-116244050-G-A.
Identifiers: ClinVar variation 238668 (VCV000238668.10), dbSNP rs375320117, ClinGen allele CA1023634.
Genomic context (GRCh38, chr1:115,701,429, plus strand): 5'-GCTCCTCAGCAGTTGGAAGATCGTCATCATCTGGAATCTCCATCCAGACACTGTCAGCCT[G>A]CAGTGAGGGACAAAATGAATGAGTGGGTAAATGCATGAGGGCTGAACCAGACCAGGGATA-3'

ClinVar aggregate classification (germline): Conflicting classifications of pathogenicity. Review status: criteria provided, conflicting classifications (1 of 4 stars). 3 submissions from 3 submitters: Uncertain significance (2); Likely benign (1). Last evaluated 2026-01-11.

Conditions:
Catecholaminergic polymorphic ventricular tachycardia 1. Also called: VENTRICULAR TACHYCARDIA, CATECHOLAMINERGIC POLYMORPHIC, 1, WITH OR WITHOUT ATRIAL DYSFUNCTION AND/OR DILATED CARDIOMYOPATHY; RYR2-Related Catecholaminergic Polymorphic Ventricular Tachycardia; VENTRICULAR TACHYCARDIA, STRESS-INDUCED POLYMORPHIC 1. Identifiers: Orphanet 3286, MedGen C1631597, MONDO:0011484, OMIM 604772.
Cardiovascular phenotype. Identifiers: MedGen CN230736.

Allele frequency attached by ClinVar (database versions not stated): gnomAD exomes 0.00002 and 0.00004; ExAC 0.00004; TOPMed 0.00004; gnomAD 0.00007 and 0.00008; ESP Exome Variant Server 0.00008.
gnomAD v4.1: 44 of 1,597,414 alleles (0.0028%); highest among the groups gnomAD compares: Non-Finnish European, 0.0037%; no homozygotes.

Submissions (3):

Labcorp Genetics (formerly Invitae), Labcorp
Classification: Uncertain significance for Catecholaminergic polymorphic ventricular tachycardia 1. Last evaluated: 2026-01-11. Review status: criteria provided, single submitter. Criteria: Invitae Variant Classification Sherloc (09022015). Collection method: clinical testing. Allele origin: germline.
Comment: This sequence change falls in intron 10 of the CASQ2 gene. It does not directly change the encoded amino acid sequence of the CASQ2 protein. It affects a nucleotide within the consensus splice site. This variant is present in population databases (rs375320117, gnomAD 0.007%). This variant has not been reported in the literature in individuals affected with CASQ2-related conditions. ClinVar contains an entry for this variant (Variation ID: 238668). Variants that disrupt the consensus splice site are a relatively common cause of aberrant splicing (PMID: 17576681, 9536098). Algorithms developed to predict the effect of sequence changes on RNA splicing suggest that this variant is not likely to affect RNA splicing. In summary, the available evidence is currently insufficient to determine the role of this variant in disease. Therefore, it has been classified as a Variant of Uncertain Significance.

Ambry Genetics
Classification: Uncertain significance for Cardiovascular phenotype. Last evaluated: 2024-10-11. Review status: criteria provided, single submitter. Criteria: Ambry Variant Classification Scheme 2023. Collection method: clinical testing. Allele origin: germline.
Comment: The c.1015-3C>T intronic variant results from a C to T substitution 3 nucleotides upstream from coding exon 11 in the CASQ2 gene. This nucleotide position is not well conserved in available vertebrate species. In silico splice site analysis predicts that this alteration will not have any significant effect on splicing. Based on the available evidence, the clinical significance of this variant remains unclear.

GeneDx
Classification: Likely benign. Last evaluated: 2016-02-26. Review status: criteria provided, single submitter. Criteria: GeneDx Variant Classification (06012015). Collection method: clinical testing. Allele origin: germline. Affected: yes.
Comment: This variant is considered likely benign or benign based on one or more of the following criteria: it is a conservative change, it occurs at a poorly conserved position in the protein, it is predicted to be benign by multiple in silico algorithms, and/or has population frequency not consistent with disease.

Literature cited by the submitters: PubMed 17576681 (cited by Labcorp Genetics (formerly Invitae), Labcorp); PubMed 9536098 (cited by Labcorp Genetics (formerly Invitae), Labcorp).